The following is an entry in ClinVar:

NM_000170.3(GLDC):c.1871C>G (p.Ala624Gly)

Gene: GLDC (glycine decarboxylase; minus strand). Cytogenetic location: 9p24.1.
Variant type: single nucleotide variant.
Coding change: c.1871C>G on transcript NM_000170.3 (MANE Select); coding-DNA position 1871, C replaced by G.
Protein change: p.Ala624Gly; replaces alanine 624 with glycine.
Molecular consequence: missense variant.
Genome position (GRCh38, 1-based): chr9:6,565,409, G>C on the plus strand (C>G on the coding strand, the complement: GLDC is on the minus strand). VCF-style: chr9-6565409-G-C. GRCh37 (hg19) VCF-style: chr9-6565409-G-C.
Other names: short protein forms A624G.
Identifiers: ClinVar variation 1034097 (VCV001034097.5), dbSNP rs779980470, ClinGen allele CA372884572.

ClinVar aggregate classification (germline): Uncertain significance. Review status: criteria provided, multiple submitters, no conflicts (2 of 4 stars). 3 submissions from 3 submitters: Uncertain significance (3). Last evaluated 2024-05-15.

Conditions:
Glycine encephalopathy. Also called: Nonketotic hyperglycinemia; Non-ketotic hyperglycinemia. Identifiers: Orphanet 407, MedGen C0751748, MONDO:0011612, HP:0008288.

gnomAD v4.1: 4 of 1,613,442 alleles (0.00025%); highest among the groups gnomAD compares: Admixed American, 0.0067%; no homozygotes.

Submissions (3):

Labcorp Genetics (formerly Invitae), Labcorp
Classification: Uncertain significance for Glycine encephalopathy. Last evaluated: 2024-05-15. Review status: criteria provided, single submitter. Criteria: Invitae Variant Classification Sherloc (09022015). Collection method: clinical testing. Allele origin: germline.
Comment: This sequence change replaces alanine, which is neutral and non-polar, with glycine, which is neutral and non-polar, at codon 624 of the GLDC protein (p.Ala624Gly). This variant is present in population databases (no rsID available, gnomAD 0.009%). This variant has not been reported in the literature in individuals affected with GLDC-related conditions. ClinVar contains an entry for this variant (Variation ID: 1034097). Advanced modeling of protein sequence and biophysical properties (such as structural, functional, and spatial information, amino acid conservation, physicochemical variation, residue mobility, and thermodynamic stability) has been performed at Invitae for this missense variant, however the output from this modeling did not meet the statistical confidence thresholds required to predict the impact of this variant on GLDC protein function. In summary, the available evidence is currently insufficient to determine the role of this variant in disease. Therefore, it has been classified as a Variant of Uncertain Significance.

GeneDx
Classification: Uncertain significance. Last evaluated: 2019-05-31. Review status: criteria provided, single submitter. Criteria: GeneDx Variant Classification Process June 2021. Collection method: clinical testing. Allele origin: germline. Affected: yes.
Comment: Not observed at a significant frequency in large population cohorts (Lek et al., 2016); In silico analysis, which includes protein predictors and evolutionary conservation, supports a deleterious effect; Has not been previously published as pathogenic or benign to our knowledge

Baylor Genetics
Classification: Uncertain significance for Glycine encephalopathy 1. Last evaluated: 2018-07-06. Review status: criteria provided, single submitter. Criteria: ACMG Guidelines, 2015. Collection method: clinical testing. Allele origin: unknown. Affected: yes.
Comment: This variant was determined to be of uncertain significance according to ACMG Guidelines, 2015 [PMID:25741868].